The following is an entry in ClinVar:

ClinVar aggregate classification (germline): Conflicting classifications of pathogenicity. Review status: criteria provided, conflicting classifications (1 of 4 stars). 3 submissions from 3 submitters: Uncertain significance (2); Likely benign (1). Last evaluated 2025-05-01.

Conditions:
Cardiovascular phenotype. Identifiers: MedGen CN230736.
Dilated cardiomyopathy 1JJ (CMD1JJ). Identifiers: Orphanet 154, MedGen C3808935, MONDO:0014095, OMIM 615235.

Allele frequency attached by ClinVar (database versions not stated): gnomAD exomes 0.00001; ExAC 0.00001; TOPMed 0.00005; gnomAD 0.00003.

Submissions (3):

Labcorp Genetics (formerly Invitae), Labcorp
Classification: Uncertain significance for Dilated cardiomyopathy 1JJ. Last evaluated: 2025-05-01. Review status: criteria provided, single submitter. Criteria: Invitae Variant Classification Sherloc (09022015). Collection method: clinical testing. Allele origin: germline.
Comment: This sequence change replaces glycine, which is neutral and non-polar, with aspartic acid, which is acidic and polar, at codon 692 of the LAMA4 protein (p.Gly692Asp). This variant is present in population databases (rs782786459, gnomAD no frequency). This variant has not been reported in the literature in individuals affected with LAMA4-related conditions. ClinVar contains an entry for this variant (Variation ID: 1311664). Invitae Evidence Modeling of protein sequence and biophysical properties (such as structural, functional, and spatial information, amino acid conservation, physicochemical variation, residue mobility, and thermodynamic stability) indicates that this missense variant is not expected to disrupt LAMA4 protein function with a negative predictive value of 80%. In summary, the available evidence is currently insufficient to determine the role of this variant in disease. Therefore, it has been classified as a Variant of Uncertain Significance.

Ambry Genetics
Classification: Likely benign for Cardiovascular phenotype. Last evaluated: 2024-06-25. Review status: criteria provided, single submitter. Criteria: Ambry Variant Classification Scheme 2023. Collection method: clinical testing. Allele origin: germline.

GeneDx
Classification: Uncertain significance. Last evaluated: 2022-01-27. Review status: criteria provided, single submitter. Criteria: GeneDx Variant Classification Process June 2021. Collection method: clinical testing. Allele origin: germline. Affected: yes.
Comment: Has not been previously published as pathogenic or benign to our knowledge; Not observed at a significant frequency in large population cohorts (gnomAD); In silico analysis supports that this missense variant does not alter protein structure/function

NM_001105206.3(LAMA4):c.2096G>A (p.Gly699Asp)

Gene: LAMA4 (laminin subunit alpha 4; minus strand). Cytogenetic location: 6q21.
Variant type: single nucleotide variant.
Coding change: c.2096G>A on transcript NM_001105206.3 (MANE Select); coding-DNA position 2096, G replaced by A.
Protein change: p.Gly699Asp; replaces glycine 699 with aspartic acid.
Molecular consequence: missense variant.
Genome position (GRCh38, 1-based): chr6:112,150,588, C>T on the plus strand (G>A on the coding strand, the complement: LAMA4 is on the minus strand). VCF-style: chr6-112150588-C-T. GRCh37 (hg19) VCF-style: chr6-112471790-C-T.
Other names: c.2075G>A, p.Gly692Asp (NM_001105207.3, NM_002290.5); short protein forms G692D, G699D.
Identifiers: ClinVar variation 1311664 (VCV001311664.8), dbSNP rs782786459, ClinGen allele CA3965585.